The following is an entry in ClinVar:

ClinVar aggregate classification (germline): Uncertain significance. Review status: criteria provided, multiple submitters, no conflicts (2 of 4 stars). 2 submissions from 2 submitters: Uncertain significance (2). Last evaluated 2025-10-22.

Conditions:
Cognitive impairment - coarse facies - heart defects - obesity - pulmonary involvement - short stature - skeletal dysplasia syndrome. Also called: AFF4-Related CHOPS Syndrome; COGNITIVE IMPAIRMENT, COARSE FACIES, HEART DEFECTS, OBESITY, PULMONARY INVOLVEMENT, SHORT STATURE, AND SKELETAL DYSPLASIA; Chops syndrome. Identifiers: Orphanet 444077, MedGen C4085597, MONDO:0014609, OMIM 616368.
Inborn genetic diseases. Identifiers: MedGen C0950123, MeSH D030342.

Allele frequency attached by ClinVar (database versions not stated): gnomAD exomes below 0.00001; TOPMed below 0.00001.
gnomAD v4.1: 5 of 1,614,150 alleles (0.00031%); highest among the groups gnomAD compares: Admixed American, 0.0017%; no homozygotes.

Submissions (2):

Ambry Genetics
Classification: Uncertain significance for Inborn genetic diseases. Last evaluated: 2025-10-22. Review status: criteria provided, single submitter. Criteria: Ambry Variant Classification Scheme 2023. Collection method: clinical testing. Allele origin: germline.

Labcorp Genetics (formerly Invitae), Labcorp
Classification: Uncertain significance for Cognitive impairment - coarse facies - heart defects - obesity - pulmonary involvement - short stature - skeletal dysplasia syndrome. Last evaluated: 2024-05-26. Review status: criteria provided, single submitter. Criteria: Invitae Variant Classification Sherloc (09022015). Collection method: clinical testing. Allele origin: germline.
Comment: This sequence change replaces aspartic acid, which is acidic and polar, with glycine, which is neutral and non-polar, at codon 152 of the AFF4 protein (p.Asp152Gly). This variant is not present in population databases (gnomAD no frequency). This variant has not been reported in the literature in individuals affected with AFF4-related conditions. ClinVar contains an entry for this variant (Variation ID: 1054576). An algorithm developed to predict the effect of missense changes on protein structure and function (PolyPhen-2) suggests that this variant is likely to be disruptive. In summary, the available evidence is currently insufficient to determine the role of this variant in disease. Therefore, it has been classified as a Variant of Uncertain Significance.

NM_014423.4(AFF4):c.455A>G (p.Asp152Gly)

Gene: AFF4 (ALF transcription elongation factor 4; minus strand). Cytogenetic location: 5q31.1.
Variant type: single nucleotide variant.
Coding change: c.455A>G on transcript NM_014423.4 (MANE Select); coding-DNA position 455, A replaced by G.
Protein change: p.Asp152Gly; replaces aspartic acid 152 with glycine.
Molecular consequence: missense variant.
Genome position (GRCh38, 1-based): chr5:132,934,610, T>C on the plus strand (A>G on the coding strand, the complement: AFF4 is on the minus strand). VCF-style: chr5-132934610-T-C. GRCh37 (hg19) VCF-style: chr5-132270302-T-C.
Other names: c.455A>G (NM_014423.3); short protein forms D152G.
Identifiers: ClinVar variation 1054576 (VCV001054576.10), dbSNP rs1761381810, ClinGen allele CA360961179.